The following is an entry in ClinVar:

NM_001165963.4(SCN1A):c.2590-1G>A

Gene: SCN1A (sodium voltage-gated channel alpha subunit 1; minus strand). Cytogenetic location: 2q24.3.
Variant type: single nucleotide variant.
Coding change: c.2590-1G>A on transcript NM_001165963.4 (MANE Select); the canonical splice acceptor site of the intron before coding-DNA position 2590, G replaced by A.
Molecular consequence: splice acceptor variant.
Genome position (GRCh38, 1-based): chr2:166,038,133, C>T on the plus strand (G>A on the coding strand, the complement: SCN1A is on the minus strand). VCF-style: chr2-166038133-C-T. GRCh37 (hg19) VCF-style: chr2-166894643-C-T.
Other names: c.2557-1G>A (NM_001353949.2, NM_001353950.2, NM_001353951.2 and 2 more transcripts); c.2506-1G>A (NM_001353958.2, NM_001353957.2, NM_001165964.3); c.2590-1G>A (NM_001202435.3, NM_001353948.2); c.2554-1G>A (NM_001353955.2, NM_001353954.2); c.2503-1G>A (NM_001353960.2); c.148-1G>A (NM_001353961.2).
Identifiers: ClinVar variation 1427348 (VCV001427348.9), dbSNP rs2105808993, ClinGen allele CA349061830.
Genomic context (GRCh38, chr2:166,038,133, plus strand): 5'-GATGATCTTTATTAGCATATTTAACGTTGGCCAAGATTTTGCCAACTTGAAAACTCGCAG[C>T]TGGAAAATGAAAGATTAATATATATTTGTATGATTCTTAAAAGCATTATATATATTGAGC-3'

ClinVar aggregate classification (germline): Pathogenic (1 of 4 stars; one submission).

Conditions:
Early-infantile DEE. Also called: Ohtahara syndrome; Early infantile epileptic encephalopathy with suppression bursts; Early infantile epileptic encephalopathy. Identifiers: Orphanet 1934, MedGen C0393706, MONDO:0800491.

Submission:

Labcorp Genetics (formerly Invitae), Labcorp
Classification: Pathogenic for Early-infantile DEE. Last evaluated: 2021-04-23. Review status: criteria provided, single submitter. Criteria: Invitae Variant Classification Sherloc (09022015). Collection method: clinical testing. Allele origin: germline.
Comment: For these reasons, this variant has been classified as Pathogenic. Disruption of this splice site has been observed in individual(s) with Dravet syndrome (Invitae). This variant is not present in population databases (ExAC no frequency). This sequence change affects an acceptor splice site in intron 14 of the SCN1A gene. It is expected to disrupt RNA splicing. Variants that disrupt the donor or acceptor splice site typically lead to a loss of protein function (PMID: 16199547), and loss-of-function variants in SCN1A are known to be pathogenic (PMID: 17347258, 18930999).

Literature cited by the submitters: PubMed 16199547; PubMed 17347258; PubMed 18930999.